The following is an entry in ClinVar:

NM_020928.2(ZSWIM6):c.1997A>T (p.Gln666Leu)

Gene: ZSWIM6 (zinc finger SWIM-type containing 6; plus strand). Cytogenetic location: 5q12.1.
Variant type: single nucleotide variant.
Coding change: c.1997A>T on transcript NM_020928.2 (MANE Select); coding-DNA position 1997, A replaced by T.
Protein change: p.Gln666Leu; replaces glutamine 666 with leucine.
Molecular consequence: missense variant.
Genome position (GRCh38, 1-based): chr5:61,531,477, A>T. VCF-style: chr5-61531477-A-T. GRCh37 (hg19) VCF-style: chr5-60827304-A-T.
Other names: c.1997A>T (NM_020928.1); short protein forms Q666L.
Identifiers: ClinVar variation 3616907 (VCV003616907.3).

ClinVar aggregate classification (germline): Uncertain significance. Review status: criteria provided, multiple submitters, no conflicts (2 of 4 stars). 2 submissions from 2 submitters: Uncertain significance (2). Last evaluated 2025-08-30.

Conditions:
Inborn genetic diseases. Identifiers: MedGen C0950123, MeSH D030342.

gnomAD v4.1: 47 of 1,550,398 alleles (0.003%); highest among the groups gnomAD compares: Non-Finnish European, 0.0038%; no homozygotes.

Submissions (2):

Ambry Genetics
Classification: Uncertain significance for Inborn genetic diseases. Last evaluated: 2025-08-30. Review status: criteria provided, single submitter. Criteria: Ambry Variant Classification Scheme 2023. Collection method: clinical testing. Allele origin: germline.

Labcorp Genetics (formerly Invitae), Labcorp
Classification: Uncertain significance. Last evaluated: 2024-12-04. Review status: criteria provided, single submitter. Criteria: Invitae Variant Classification Sherloc (09022015). Collection method: clinical testing. Allele origin: germline.
Comment: This sequence change replaces glutamine, which is neutral and polar, with leucine, which is neutral and non-polar, at codon 666 of the ZSWIM6 protein (p.Gln666Leu). This variant is present in population databases (rs375719109, gnomAD 0.004%). This variant has not been reported in the literature in individuals affected with ZSWIM6-related conditions. Invitae Evidence Modeling of protein sequence and biophysical properties (such as structural, functional, and spatial information, amino acid conservation, physicochemical variation, residue mobility, and thermodynamic stability) indicates that this missense variant is not expected to disrupt ZSWIM6 protein function with a negative predictive value of 80%. In summary, the available evidence is currently insufficient to determine the role of this variant in disease. Therefore, it has been classified as a Variant of Uncertain Significance.